The following is an entry in ClinVar:

ClinVar aggregate classification (germline): Uncertain significance (1 of 4 stars; one submission).

Conditions:
Familial temporal lobe epilepsy 7. Identifiers: Orphanet 101046, MedGen C4225327, MONDO:0014639, OMIM 616436.
Norman-Roberts syndrome (LIS2). Also called: Lissencephaly 2 (Norman-Roberts type). Identifiers: Orphanet 89844, MedGen C0796089, MONDO:0009760, OMIM 257320.

Allele frequency attached by ClinVar (database versions not stated): gnomAD exomes below 0.00001.
gnomAD v4.1: 1 of 1,614,192 alleles (0.000062%); highest among the groups gnomAD compares: Non-Finnish European, 0.000085%; no homozygotes.

Submission:

Labcorp Genetics (formerly Invitae), Labcorp
Classification: Uncertain significance for Familial temporal lobe epilepsy 7; Norman-Roberts syndrome. Last evaluated: 2024-12-24. Review status: criteria provided, single submitter. Criteria: Invitae Variant Classification Sherloc (09022015). Collection method: clinical testing. Allele origin: germline.
Comment: This sequence change replaces valine, which is neutral and non-polar, with leucine, which is neutral and non-polar, at codon 2679 of the RELN protein (p.Val2679Leu). This variant is not present in population databases (gnomAD no frequency). This variant has not been reported in the literature in individuals affected with RELN-related conditions. ClinVar contains an entry for this variant (Variation ID: 1928950). Invitae Evidence Modeling of protein sequence and biophysical properties (such as structural, functional, and spatial information, amino acid conservation, physicochemical variation, residue mobility, and thermodynamic stability) indicates that this missense variant is not expected to disrupt RELN protein function with a negative predictive value of 80%. In summary, the available evidence is currently insufficient to determine the role of this variant in disease. Therefore, it has been classified as a Variant of Uncertain Significance.

NM_005045.4(RELN):c.8035G>C (p.Val2679Leu)

Gene: RELN (reelin; minus strand). Cytogenetic location: 7q22.1.
Variant type: single nucleotide variant.
Coding change: c.8035G>C on transcript NM_005045.4 (MANE Select); coding-DNA position 8035, G replaced by C.
Protein change: p.Val2679Leu; replaces valine 2679 with leucine.
Molecular consequence: missense variant.
Genome position (GRCh38, 1-based): chr7:103,515,269, C>G on the plus strand (G>C on the coding strand, the complement: RELN is on the minus strand). VCF-style: chr7-103515269-C-G. GRCh37 (hg19) VCF-style: chr7-103155716-C-G.
Other names: c.8035G>C, p.Val2679Leu (NM_173054.3); short protein forms V2679L.
Identifiers: ClinVar variation 1928950 (VCV001928950.5), dbSNP rs2484740900, ClinGen allele CA368762919.